The following is an entry in ClinVar:

NM_018055.5(NODAL):c.186G>A (p.Gln62=)

Gene: NODAL (nodal growth differentiation factor; minus strand). Cytogenetic location: 10q22.1.
Variant type: single nucleotide variant.
Coding change: c.186G>A on transcript NM_018055.5 (MANE Select); coding-DNA position 186, G replaced by A.
Protein change: p.Gln62=; no amino-acid change (glutamine 62 retained).
Molecular consequence: synonymous variant. On other transcripts: intron variant (1).
Genome position (GRCh38, 1-based): chr10:70,441,482, C>T on the plus strand (G>A on the coding strand, the complement: NODAL is on the minus strand). VCF-style: chr10-70441482-C-T. GRCh37 (hg19) VCF-style: chr10-72201238-C-T.
Other names: c.-206-5499G>A (NM_001329906.2).
Identifiers: ClinVar variation 1706854 (VCV001706854.2), dbSNP rs1333287643, ClinGen allele CA470038760.
Genomic context (GRCh38, chr10:70,441,482, plus strand): 5'-GGCGGAGGCGCCCCGGGGGTGCCCAGCAGGGCGCGGCACGCGGCACTGCCTACCTTCTGC[C>T]TGTAGGCTGCGGATGATGTCTGCCCTCGGCAGCGGGTCGCGGTAGAGGCTCAGCATGTAC-3'
Protein context (NP_060525.3, residues 52-72): LPRADIIRSL[Gln62=]AEDVAVDGQN

ClinVar aggregate classification (germline): Uncertain significance (1 of 4 stars; one submission).

Allele frequency attached by ClinVar (database versions not stated): gnomAD 0.00001; TOPMed 0.00002.
gnomAD v4.1: 4 of 1,583,668 alleles (0.00025%); highest among the groups gnomAD compares: African/African-American, 0.0027%; no homozygotes.

Submission:

GeneDx
Classification: Uncertain significance. Last evaluated: 2022-03-22. Review status: criteria provided, single submitter. Criteria: GeneDx Variant Classification Process June 2021. Collection method: clinical testing. Allele origin: germline. Affected: yes.
Comment: Not observed at significant frequency in large population cohorts (gnomAD); In silico analysis supports that this variant does not alter splicing; Has not been previously published as pathogenic or benign to our knowledge